The following is an entry in ClinVar:

NM_001040716.2(PC):c.610A>C (p.Met204Leu)

Gene: PC (pyruvate carboxylase; minus strand). Cytogenetic location: 11q13.2.
Variant type: single nucleotide variant.
Coding change: c.610A>C on transcript NM_001040716.2 (MANE Select); coding-DNA position 610, A replaced by C.
Protein change: p.Met204Leu; replaces methionine 204 with leucine.
Molecular consequence: missense variant.
Genome position (GRCh38, 1-based): chr11:66,871,075, T>G on the plus strand (A>C on the coding strand, the complement: PC is on the minus strand). VCF-style: chr11-66871075-T-G. GRCh37 (hg19) VCF-style: chr11-66638546-T-G.
Other names: c.610A>C, p.Met204Leu (NM_000920.4, NM_022172.3); short protein forms M204L.
Identifiers: ClinVar variation 1716262 (VCV001716262.5), dbSNP rs1946711617, ClinGen allele CA381502058.
Genomic context (GRCh38, chr11:66,871,075, plus strand): 5'-CCCTGCCCTGCTCCCAGCCCTGGGCATCTTCACTCACCTCGTAGCTGTGCACCACCCTCA[T>G]GCCACGCCCTCCACCCCCATAGGCCGCCTTGAAGATGATGGGGAAGCCGTAGGTGTTGGA-3'
Protein context (NP_001035806.1, residues 194-214): KAAYGGGGRG[Met204Leu]RVVHSYEELE

ClinVar aggregate classification (germline): Uncertain significance (1 of 4 stars; one submission).

Conditions:
Pyruvate carboxylase deficiency. Also called: ATAXIA WITH LACTIC ACIDOSIS II; Pyruvate Carboxylase Deficiency Disease; LEIGH NECROTIZING ENCEPHALOPATHY DUE TO PYRUVATE CARBOXYLASE DEFICIENCY; LEIGH SYNDROME DUE TO PYRUVATE CARBOXYLASE DEFICIENCY; PC DEFICIENCY. Identifiers: Orphanet 3008, MedGen C0034341, MONDO:0009949, OMIM 266150.

Submission:

Labcorp Genetics (formerly Invitae), Labcorp
Classification: Uncertain significance for Pyruvate carboxylase deficiency. Last evaluated: 2024-11-04. Review status: criteria provided, single submitter. Criteria: Invitae Variant Classification Sherloc (09022015). Collection method: clinical testing. Allele origin: germline.
Comment: This sequence change replaces methionine, which is neutral and non-polar, with leucine, which is neutral and non-polar, at codon 204 of the PC protein (p.Met204Leu). This variant is not present in population databases (gnomAD no frequency). This variant has not been reported in the literature in individuals affected with PC-related conditions. ClinVar contains an entry for this variant (Variation ID: 1716262). Invitae Evidence Modeling of protein sequence and biophysical properties (such as structural, functional, and spatial information, amino acid conservation, physicochemical variation, residue mobility, and thermodynamic stability) has been performed for this missense variant. However, the output from this modeling did not meet the statistical confidence thresholds required to predict the impact of this variant on PC protein function. In summary, the available evidence is currently insufficient to determine the role of this variant in disease. Therefore, it has been classified as a Variant of Uncertain Significance.